The following is an entry in ClinVar:

NM_000312.4(PROC):c.1249G>C (p.Val417Leu)

Gene: PROC (protein C, inactivator of coagulation factors Va and VIIIa; plus strand). Cytogenetic location: 2q14.3.
Variant type: single nucleotide variant.
Coding change: c.1249G>C on transcript NM_000312.4 (MANE Select); coding-DNA position 1249, G replaced by C.
Protein change: p.Val417Leu; replaces valine 417 with leucine.
Molecular consequence: missense variant.
Genome position (GRCh38, 1-based): chr2:127,428,809, G>C. VCF-style: chr2-127428809-G-C. GRCh37 (hg19) VCF-style: chr2-128186385-G-C.
Other names: c.1432G>C, p.Val478Leu (NM_001375602.1); c.1414G>C, p.Val472Leu (NM_001375603.1); c.1312G>C, p.Val438Leu (NM_001375604.1); c.1351G>C, p.Val451Leu (NM_001375605.1); c.1417G>C, p.Val473Leu (NM_001375606.1); c.1435G>C, p.Val479Leu (NM_001375607.1); c.1192G>C, p.Val398Leu (NM_001375608.1); c.1225G>C, p.Val409Leu (NM_001375609.1); and 2 more; short protein forms V409L, V438L, V472L, V473L, V398L, V415L, V451L, V417L.
Identifiers: ClinVar variation 2884892 (VCV002884892.3), dbSNP rs144760718, ClinGen allele CA1859555.

ClinVar aggregate classification (germline): Uncertain significance (1 of 4 stars; one submission).

Conditions:
Thrombophilia due to protein C deficiency, autosomal dominant. Also called: PROC DEFICIENCY, AUTOSOMAL DOMINANT; PROTEIN C DEFICIENCY, AUTOSOMAL DOMINANT. Identifiers: Orphanet 745, MedGen C2674321, MONDO:0008316, OMIM 176860. Disease mechanism: loss of function.

Allele frequency attached by ClinVar (database versions not stated): gnomAD 0.00001; TOPMed 0.00001; ExAC 0.00002; ESP Exome Variant Server 0.00008.

Submission:

Labcorp Genetics (formerly Invitae), Labcorp
Classification: Uncertain significance for Thrombophilia due to protein C deficiency, autosomal dominant. Last evaluated: 2025-11-26. Review status: criteria provided, single submitter. Criteria: Invitae Variant Classification Sherloc (09022015). Collection method: clinical testing. Allele origin: germline.
Comment: This sequence change replaces valine, which is neutral and non-polar, with leucine, which is neutral and non-polar, at codon 417 of the PROC protein (p.Val417Leu). This variant is present in population databases (rs144760718, gnomAD 0.007%). This missense change has been observed in individual(s) with protein C deficiency (PMID: 32717757). ClinVar contains an entry for this variant (Variation ID: 2884892). Invitae Evidence Modeling of protein sequence and biophysical properties (such as structural, functional, and spatial information, amino acid conservation, physicochemical variation, residue mobility, and thermodynamic stability) indicates that this missense variant is not expected to disrupt PROC protein function with a negative predictive value of 80%. This variant disrupts the p.Val417 amino acid residue in PROC. Other variant(s) that disrupt this residue have been observed in individuals with PROC-related conditions (PMID: 32717757), which suggests that this may be a clinically significant amino acid residue. In summary, the available evidence is currently insufficient to determine the role of this variant in disease. Therefore, it has been classified as a Variant of Uncertain Significance.

Literature cited by the submitters: PubMed 32717757.